The following is an entry in ClinVar:

NM_033453.4(ITPA):c.416G>A (p.Arg139Gln)

Gene: ITPA (inosine triphosphatase; plus strand). Cytogenetic location: 20p13.
Variant type: single nucleotide variant.
Coding change: c.416G>A on transcript NM_033453.4 (MANE Select); coding-DNA position 416, G replaced by A.
Protein change: p.Arg139Gln; replaces arginine 139 with glutamine.
Molecular consequence: missense variant. On other transcripts: non-coding transcript variant (2), intron variant (1).
Genome position (GRCh38, 1-based): chr20:3,221,845, G>A. VCF-style: chr20-3221845-G-A. GRCh37 (hg19) VCF-style: chr20-3202491-G-A.
Other names: c.416G>A (NM_033453.2); c.293G>A, p.Arg98Gln (NM_001267623.2); c.79G>A, p.Gly27Arg (NM_001324236.2, NM_001324237.2, NM_001324238.2 and 1 more transcripts); c.365G>A, p.Arg122Gln (NM_181493.4); c.411+3213G>A (NM_001324240.2); short protein forms R98Q, G27R, R139Q, R122Q.
Identifiers: ClinVar variation 946360 (VCV000946360.10), dbSNP rs771525761, ClinGen allele CA9741312.

ClinVar aggregate classification (germline): Conflicting classifications of pathogenicity. Review status: criteria provided, conflicting classifications (1 of 4 stars). 3 submissions from 3 submitters: Uncertain significance (2); Likely benign (1). Last evaluated 2025-01-06.

Conditions:
Inosine triphosphatase deficiency. Also called: INOSINE TRIPHOSPHATE PYROPHOSPHOHYDROLASE DEFICIENCY. Identifiers: MedGen C0342800, MONDO:0013461, OMIM 613850.
Inborn genetic diseases. Identifiers: MedGen C0950123, MeSH D030342.
Developmental and epileptic encephalopathy, 35 (DEE35). Also called: Epileptic encephalopathy, early infantile, 35. Identifiers: Orphanet 457375, MedGen C4225256, MONDO:0014719, OMIM 616647.

Allele frequency attached by ClinVar (database versions not stated): ExAC 0.00002; gnomAD exomes 0.00002 and 0.00008; TOPMed 0.00005; gnomAD 0.00006.
gnomAD v4.1: 130 of 1,613,924 alleles (0.0081%); highest among the groups gnomAD compares: Non-Finnish European, 0.01%; no homozygotes.

Submissions (3):

Labcorp Genetics (formerly Invitae), Labcorp
Classification: Uncertain significance for Inosine triphosphatase deficiency. Last evaluated: 2025-01-06. Review status: criteria provided, single submitter. Criteria: Invitae Variant Classification Sherloc (09022015). Collection method: clinical testing. Allele origin: germline.
Comment: This sequence change replaces arginine, which is basic and polar, with glutamine, which is neutral and polar, at codon 139 of the ITPA protein (p.Arg139Gln). This variant is present in population databases (rs771525761, gnomAD 0.004%). This variant has not been reported in the literature in individuals affected with ITPA-related conditions. ClinVar contains an entry for this variant (Variation ID: 946360). An algorithm developed to predict the effect of missense changes on protein structure and function outputs the following: PolyPhen-2: "Benign". The glutamine amino acid residue is found in multiple mammalian species, which suggests that this missense change does not adversely affect protein function. In summary, the available evidence is currently insufficient to determine the role of this variant in disease. Therefore, it has been classified as a Variant of Uncertain Significance.

Ambry Genetics
Classification: Likely benign for Inborn genetic diseases. Last evaluated: 2022-04-12. Review status: criteria provided, single submitter. Criteria: Ambry Variant Classification Scheme 2023. Collection method: clinical testing. Allele origin: germline.

Baylor Genetics
Classification: Uncertain significance for Developmental and epileptic encephalopathy, 35. Last evaluated: 2018-01-13. Review status: criteria provided, single submitter. Criteria: ACMG Guidelines, 2015. Collection method: clinical testing. Allele origin: maternal. Affected: yes.
Comment: This variant was determined to be of uncertain significance according to ACMG Guidelines, 2015 [PMID:25741868].